The following is an entry in ClinVar:

NM_005228.5(EGFR):c.309C>A (p.Asn103Lys)

Gene: EGFR (epidermal growth factor receptor; plus strand). Cytogenetic location: 7p11.2.
Variant type: single nucleotide variant.
Coding change: c.309C>A on transcript NM_005228.5 (MANE Select); coding-DNA position 309, C replaced by A.
Protein change: p.Asn103Lys; replaces asparagine 103 with lysine.
Molecular consequence: missense variant. On other transcripts: intron variant (1).
Genome position (GRCh38, 1-based): chr7:55,143,373, C>A. VCF-style: chr7-55143373-C-A. GRCh37 (hg19) VCF-style: chr7-55211066-C-A.
Other names: c.309C>A, p.Asn103Lys (NM_001346897.2, NM_001346898.2, NM_001346899.2 and 3 more transcripts); c.150C>A, p.Asn50Lys (NM_001346900.2); c.89-12457C>A (NM_001346941.2); short protein forms N103K, N50K.
Identifiers: ClinVar variation 1716153 (VCV001716153.6), dbSNP rs2128927311, ClinGen allele CA367575759.

ClinVar aggregate classification (germline): Uncertain significance. Review status: criteria provided, multiple submitters, no conflicts (2 of 4 stars). 2 submissions from 2 submitters: Uncertain significance (2). Last evaluated 2025-09-24.

Conditions:
EGFR-related lung cancer (EGFR). Identifiers: MedGen CN130014.
Hereditary cancer-predisposing syndrome. Also called: Neoplastic Syndromes, Hereditary; Tumor predisposition; Hereditary Cancer Syndrome; Hereditary neoplastic syndrome. Identifiers: Orphanet 140162, MedGen C0027672, MeSH D009386, MONDO:0015356.

Submissions (2):

Ambry Genetics
Classification: Uncertain significance for Hereditary cancer-predisposing syndrome. Last evaluated: 2025-09-24. Review status: criteria provided, single submitter. Criteria: Ambry Variant Classification Scheme 2023. Collection method: clinical testing. Allele origin: germline.
Comment: The p.N103K variant (also known as c.309C>A), located in coding exon 3 of the EGFR gene, results from a C to A substitution at nucleotide position 309. The asparagine at codon 103 is replaced by lysine, an amino acid with similar properties. This amino acid position is well conserved in available vertebrate species. In addition, this alteration is predicted to be tolerated by in silico analysis. Based on the available evidence, the clinical significance of this variant remains unclear.

Labcorp Genetics (formerly Invitae), Labcorp
Classification: Uncertain significance for EGFR-related lung cancer. Last evaluated: 2022-09-12. Review status: criteria provided, single submitter. Criteria: Invitae Variant Classification Sherloc (09022015). Collection method: clinical testing. Allele origin: germline.
Comment: This variant is not present in population databases (gnomAD no frequency). This sequence change replaces asparagine, which is neutral and polar, with lysine, which is basic and polar, at codon 103 of the EGFR protein (p.Asn103Lys). This variant has not been reported in the literature in individuals affected with EGFR-related conditions. In summary, the available evidence is currently insufficient to determine the role of this variant in disease. Therefore, it has been classified as a Variant of Uncertain Significance. Advanced modeling of protein sequence and biophysical properties (such as structural, functional, and spatial information, amino acid conservation, physicochemical variation, residue mobility, and thermodynamic stability) performed at Invitae indicates that this missense variant is not expected to disrupt EGFR protein function.